The following is an entry in ClinVar:

ClinVar aggregate classification (germline): Uncertain significance (1 of 4 stars; one submission).

Conditions:
Developmental and epileptic encephalopathy, 67. Also called: EPILEPTIC ENCEPHALOPATHY, EARLY INFANTILE, 67. Identifiers: MedGen C4748341, MONDO:0029138, OMIM 618141.

Submission:

Victorian Clinical Genetics Services, Murdoch Childrens Research Institute
Classification: Uncertain significance for Developmental and epileptic encephalopathy, 67. Last evaluated: 2020-10-19. Review status: criteria provided, single submitter. Criteria: ACMG Guidelines, 2015. Collection method: clinical testing. Allele origin: germline. Inheritance: Autosomal dominant inheritance.
Comment: Based on the classification scheme VCGS_Germline_v1.3.3, this variant is classified as 3A-VUS. Following criteria are met: 0105 - The mechanism of disease for this gene is not clearly established. A single recurring missense variant has been reported for this gene (PMID: 29630738; PMID: 29795476). (I) 0107 - This gene is associated with autosomal dominant disease. (I) 0211 - Canonical splice site variant without proven consequence on splicing (no functional evidence available). (SP) 0251 - This variant is heterozygous. (I) 0301 - Variant is absent from gnomAD (both v2 and v3). (SP) 0505 - Abnormal splicing is predicted by in silico tools and affected nucleotide is highly conserved. (SP) 0705 - No comparable splice variants have previous evidence for pathogenicity. (I) 0807 - This variant has no previous evidence of pathogenicity. (I) 0905 - No published segregation evidence has been identified for this variant. (I) 1007 - No published functional evidence has been identified for this variant. (I) 1208 - Inheritance information for this variant is not currently available in this individual. (I) Legend: (SP) - Supporting pathogenic, (I) - Information, (SB) - Supporting benign

Literature cited by the submitters: PubMed 29630738; PubMed 29795476.

NM_015267.4(CUX2):c.223-1G>A

Gene: CUX2 (cut like homeobox 2; plus strand). Cytogenetic location: 12q24.11.
Variant type: single nucleotide variant.
Coding change: c.223-1G>A on transcript NM_015267.4 (MANE Select); the canonical splice acceptor site of the intron before coding-DNA position 223, G replaced by A.
Molecular consequence: splice acceptor variant.
Genome position (GRCh38, 1-based): chr12:111,263,760, G>A. VCF-style: chr12-111263760-G-A. GRCh37 (hg19) VCF-style: chr12-111701564-G-A.
Other names: c.37-1G>A (NM_001370598.1).
Identifiers: ClinVar variation 1806080 (VCV001806080.2), dbSNP rs2499701538, ClinGen allele CA386712449.
Genomic context (GRCh38, chr12:111,263,760, plus strand): 5'-ATTTGCTTGCAGACACAGATGCCATGGTTACACGTGACTCTTTCTCTTGTTGTCTCCAAA[G>A]GTGGTGGCCCTTAGTAAGAGAAGTCAGGAGGCGGAGGCTGCTTTTCTGAGTGTTTACAAG-3'